The following is an entry in ClinVar:

ClinVar aggregate classification (germline): Pathogenic/Likely pathogenic. Review status: criteria provided, multiple submitters, no conflicts (2 of 4 stars). 4 submissions from 4 submitters: Pathogenic (3); Likely pathogenic (1). Last evaluated 2024-12-06.

Conditions:
Inborn genetic diseases. Identifiers: MedGen C0950123, MeSH D030342.
Posterior column ataxia-retinitis pigmentosa syndrome (RETSNS). Also called: RETINOPATHY-SENSORY NEUROPATHY SYNDROME. Identifiers: Orphanet 88628, MedGen C1836916, MONDO:0012177, OMIM 609033.

Allele frequency attached by ClinVar (database versions not stated): gnomAD exomes below 0.00001 and 0.00004.

Submissions (4):

GeneDx
Classification: Pathogenic. Last evaluated: 2024-12-06. Review status: criteria provided, single submitter. Criteria: GeneDx Variant Classification Process June 2021. Collection method: clinical testing. Allele origin: germline.
Comment: Published functional studies demonstrate a damaging effect on protein function (PMID: 31408049); This variant is associated with the following publications: (PMID: 34906470, 32822874, 27923065, 24628582, 22279524, 21267618, 31964843, 31408049, 21070897, 9409377)

Labcorp Genetics (formerly Invitae), Labcorp
Classification: Pathogenic. Last evaluated: 2022-05-04. Review status: criteria provided, single submitter. Criteria: Invitae Variant Classification Sherloc (09022015). Collection method: clinical testing. Allele origin: germline.
Comment: This sequence change affects the initiator methionine of the FLVCR1 mRNA. The next in-frame methionine is located at codon 151. This variant is present in population databases (no rsID available, gnomAD 0.01%). Disruption of the initiator codon has been observed in individuals with FLVCR1-related conditions (PMID: 31408049, 32822874). It has also been observed to segregate with disease in related individuals. ClinVar contains an entry for this variant (Variation ID: 521372). Studies have shown that disruption of the initiator codon alters FLVCR1 gene expression (PMID: 31408049). For these reasons, this variant has been classified as Pathogenic.

Ocular Genomics Institute, Massachusetts Eye and Ear
Classification: Likely pathogenic for Posterior column ataxia-retinitis pigmentosa syndrome. Last evaluated: 2021-04-08. Review status: criteria provided, single submitter. Criteria: ACMG Guidelines, 2015. Collection method: research. Allele origin: germline. Affected: yes.
Comment: Through a review of available evidence we were able to apply the following criteria: PVS1, PM2. Based on this evidence we have classified this variant as Likely Pathogenic.

Ambry Genetics
Classification: Pathogenic for Inborn genetic diseases. Last evaluated: 2016-12-13. Review status: criteria provided, single submitter. Criteria: Ambry exome assertion method (8-5-2015). Collection method: clinical testing. Allele origin: germline. Affected: yes. Observed: 1 variant allele.

Literature cited by the submitters: PubMed 31408049 (cited by Labcorp Genetics (formerly Invitae), Labcorp); PubMed 32822874 (cited by Labcorp Genetics (formerly Invitae), Labcorp); PubMed 27923065 (cited by Ocular Genomics Institute, Massachusetts Eye and Ear); PubMed 24628582 (cited by Ocular Genomics Institute, Massachusetts Eye and Ear); PubMed 22279524 (cited by Ocular Genomics Institute, Massachusetts Eye and Ear); PubMed 21267618 (cited by Ocular Genomics Institute, Massachusetts Eye and Ear); PubMed 21070897 (cited by Ocular Genomics Institute, Massachusetts Eye and Ear); PubMed 9409377 (cited by Ocular Genomics Institute, Massachusetts Eye and Ear).

NM_014053.4(FLVCR1):c.2T>C (p.Met1Thr)

Gene: FLVCR1 (FLVCR choline and heme transporter 1; plus strand). Cytogenetic location: 1q32.3.
Variant type: single nucleotide variant.
Coding change: c.2T>C on transcript NM_014053.4 (MANE Select); coding-DNA position 2, T replaced by C.
Protein change: p.Met1Thr; changes the start codon (methionine 1).
Molecular consequence: missense variant, initiator codon variant.
Genome position (GRCh38, 1-based): chr1:212,858,454, T>C. VCF-style: chr1-212858454-T-C. GRCh37 (hg19) VCF-style: chr1-213031796-T-C.
Other names: short protein forms M1T.
Identifiers: ClinVar variation 521372 (VCV000521372.13), dbSNP rs1468358104, ClinGen allele CA344794918.
Genomic context (GRCh38, chr1:212,858,454, plus strand): 5'-GGGAGAGCGGAGTCGGGGAGTGGGGCGGGGGAGCGAGGTGGCGCCGGGGAGCCTGGGATA[T>C]GGCGCGGCCAGACGATGAGGAGGGGGCGGCGGTGGCGCCCGGACACCCGCTCGCGAAAGG-3'
Protein context (NP_054772.1, residues 1-11): [Met1Thr]ARPDDEEGAA